The following is an entry in ClinVar:

ClinVar aggregate classification (germline): Conflicting classifications of pathogenicity. Review status: criteria provided, conflicting classifications (1 of 4 stars). 13 submissions from 13 submitters: Uncertain significance (9); Likely benign (1). 3 of the submissions do not count toward it. Last evaluated 2026-01-12.

Conditions:
BRCA2-related disorder. Also called: BRCA2-related condition; BRCA2-related disorders. Identifiers: MedGen CN239275.
Hereditary cancer-predisposing syndrome. Also called: Neoplastic Syndromes, Hereditary; Hereditary neoplastic syndrome; Tumor predisposition; Hereditary Cancer Syndrome. Identifiers: Orphanet 140162, MedGen C0027672, MeSH D009386, MONDO:0015356.
Breast and/or ovarian cancer. Identifiers: MedGen CN221562.
Hereditary breast ovarian cancer syndrome. Also called: Hereditary breast and/or ovarian cancer syndrome; Breast and ovarian cancer; BRCA1- and BRCA2-Associated Hereditary Breast and Ovarian Cancer; Hereditary breast and ovarian cancer; Hereditary breast and ovarian cancer syndrome; Hereditary breast and ovarian cancer syndrome (HBOC). Identifiers: Orphanet 145, MedGen C0677776, MeSH D061325, MONDO:0003582. Disease mechanism: loss of function.
Breast-ovarian cancer, familial, susceptibility to, 2 (BROVCA2). Also called: BRCA2 Hereditary Breast and Ovarian Cancer. Identifiers: Orphanet 145, MedGen C2675520, MONDO:0012933, OMIM 612555. Disease mechanism: loss of function.
Malignant tumor of breast. Also called: Cancer breast; Malignant breast neoplasm. Identifiers: MedGen C0006142, MONDO:0007254. Disease mechanism: loss of function.

Allele frequency attached by ClinVar (database versions not stated): gnomAD exomes 0.00001.
gnomAD v4.1: 3 of 1,612,614 alleles (0.00019%); highest among the groups gnomAD compares: Non-Finnish European, 0.00025%; no homozygotes.

Submissions (13):

Labcorp Genetics (formerly Invitae), Labcorp
Classification: Likely benign for Hereditary breast ovarian cancer syndrome. Last evaluated: 2026-01-12. Review status: criteria provided, single submitter. Criteria: Invitae Variant Classification Sherloc (09022015). Collection method: clinical testing. Allele origin: germline.

Ambry Genetics
Classification: Uncertain significance for Hereditary cancer-predisposing syndrome. Last evaluated: 2024-02-09. Review status: criteria provided, single submitter. Criteria: Ambry Variant Classification Scheme 2023. Collection method: clinical testing. Allele origin: germline.
Comment: The p.R3007G variant (also known as c.9019A>G), located in coding exon 22 of the BRCA2 gene, results from an A to G substitution at nucleotide position 9019. The arginine at codon 3007 is replaced by glycine, an amino acid with dissimilar properties. In another study, this alteration was identified in 1/898 Greek breast cancer probands (Apessos A et al. Cancer Genet, 2018 01;220:1-12). This variant was also reported in 1 breast cancer proband in a study of 3251 individuals who met eligibility criteria for hereditary breast and ovarian cancer syndrome (Lerner-Ellis J. et al. J Cancer Res Clin Oncol. 2021 Mar;147(3):871-879) . Two studies utilizing homology-directed DNA repair (HDR) assays both demonstrated this alteration to have intermediate functionality (Guidugli L et al. Am. J. Hum. Genet., 2018 02;102:233-248; Hart SN et al. Genet Med, 2019 01;21:71-80). In addition, this variant was reported as having an intermediate impact by an assay of sensitivity to PARP inhibitors when expressed in a human cell line (Ikegami M. et al. Nat Commun. 2020 05;11(1):2573). This amino acid position is well conserved in available vertebrate species. In addition, the in silico prediction for this alteration is inconclusive. Since supporting evidence is limited at this time, the clinical significance of this alteration remains unclear.

All of Us Research Program, National Institutes of Health
Classification: Uncertain significance for Breast-ovarian cancer, familial, susceptibility to, 2. Last evaluated: 2024-01-11. Review status: criteria provided, single submitter. Criteria: ACMG Guidelines, 2015. Collection method: clinical testing. Allele origin: germline. Inheritance: Autosomal dominant inheritance. Observed: 2 variant alleles, 2 heterozygotes.
Comment: This study involves interpretation of variants in research participants for the purpose of population health screening. Participant phenotype was not available at the time of variant classification. Additional details can be found in publication PMID: 35346344, PMCID: PMC8962531

PreventionGenetics, part of Exact Sciences
Classification: Uncertain significance for BRCA2-related condition. Last evaluated: 2023-06-01. Review status: criteria provided, single submitter. Criteria: ACMG Guidelines, 2015. Collection method: clinical testing. Allele origin: germline.
Comment: The BRCA2 c.9019A>G variant is predicted to result in the amino acid substitution p.Arg3007Gly. This variant has been reported in individuals with breast cancer, however in one study the variant did not segregate with disease within a family and was also found in controls of cohort studies (Cavallone et al. 2010. PubMed ID: 20694749; Apessos et al. 2017. PubMed ID: 29310832; Supplemental File 2 in Lerner-Ellis et al. 2020. PubMed ID: 32885271). A functional study using a protein activity assay found that the p.Arg3007Gly substitution had an intermediate effect (Guidugli et al. 2018. PubMed ID: 29394989). This variant has not been reported in a large population database, indicating this variant is rare. This variant has interpretations of uncertain and likely benign in ClinVar. At this time, the clinical significance of this variant is uncertain due to the absence of conclusive functional and genetic evidence.

Blueprint Genetics
Classification: Uncertain significance. Last evaluated: 2023-03-10. Review status: criteria provided, single submitter. Criteria: ACMG Guidelines, 2015. Collection method: clinical testing. Allele origin: germline.

GeneDx
Classification: Uncertain significance. Last evaluated: 2022-02-02. Review status: criteria provided, single submitter. Criteria: GeneDx Variant Classification Process June 2021. Collection method: clinical testing. Allele origin: germline. Affected: yes.
Comment: Observed in individuals with personal or family history of breast cancer (Cavallone 2010); In silico analysis supports that this missense variant does not alter protein structure/function; Not observed at significant frequency in large population cohorts (gnomAD); Also known as 9247A>G; This variant is associated with the following publications: (PMID: 29394989, 29310832, 12228710, 20694749, 29884841)

Quest Diagnostics Nichols Institute San Juan Capistrano
Classification: Uncertain significance. Last evaluated: 2021-01-24. Review status: criteria provided, single submitter. Criteria: Quest Diagnostics criteria. Collection method: clinical testing. Allele origin: unknown.

CHEO Genetics Diagnostic Laboratory, Children's Hospital of Eastern Ontario
Classification: Uncertain significance for Breast and/or ovarian cancer. Last evaluated: 2020-06-10. Review status: criteria provided, single submitter. Criteria: ACMG Guidelines, 2015. Collection method: clinical testing. Allele origin: germline.

Color Diagnostics, LLC DBA Color Health
Classification: Uncertain significance for Hereditary cancer-predisposing syndrome. Last evaluated: 2019-05-05. Review status: criteria provided, single submitter. Criteria: ACMG Guidelines, 2015. Collection method: clinical testing. Allele origin: germline.

Department of Pathology and Molecular Medicine, Queen's University
Classification: Uncertain significance. Last evaluated: 2017-04-20. Review status: criteria provided, single submitter. Criteria: ACMG Guidelines, 2015. Collection method: clinical testing. Allele origin: germline. Study: The Canadian Open Genetics Repository (COGR).

Foulkes Cancer Genetics LDI, Lady Davis Institute for Medical Research
Classification: Uncertain significance for Breast and/or ovarian cancer. Last evaluated: 2009-07-23. Review status: no assertion criteria provided. Collection method: clinical testing. Allele origin: germline. Study: The Canadian Open Genetics Repository (COGR). Not counted in ClinVar's aggregate classification.

Sharing Clinical Reports Project (SCRP)
Classification: Uncertain significance for Breast-ovarian cancer, familial 2. Last evaluated: 2008-03-19. Review status: no assertion criteria provided. Collection method: clinical testing. Allele origin: germline. Not counted in ClinVar's aggregate classification.

Department of Pathology and Laboratory Medicine, Sinai Health System
Classification: Uncertain significance for Malignant tumor of breast. Review status: no assertion criteria provided. Collection method: clinical testing. Allele origin: unknown. Affected: yes. Observed: 2 variant alleles. Study: The Canadian Open Genetics Repository (COGR). Not counted in ClinVar's aggregate classification.
Comment: The BRCA2 p.Arg3007Gly variant was identified in 1 of 164 proband chromosomes (frequency: 0.006) from French-Canadian individuals or families with hereditary breast cancer; (Cavallone 2010). In this study, the variant did not appear to segregate with disease in the affected family (and DNA was unavailable for further studies). The variant was also identified in dbSNP (ID: rs397507417) â€šÃ„ÃºWith Uncertain significance alleleâ€šÃ„Ã¹, ClinVar (classified as uncertain significance by GeneDx, Ambry Genetics, Invitae, SCRP (Sharing Clinical Reports Project), and Dept. of Pathology and Molecular Medicine (Queen's University)), Clinvitae (4x), Genesight-COGR (4 clinical labs), LOVD 3.0 (1x), and UMD-LSDB (2x as 3-UV) and was not identified in Cosmic, MutDB, BIC Database, ARUP Laboratories, Zhejiang Colon Cancer Database, the 1000 Genomes Project, the NHLBI GO Exome Sequencing Project, the Exome Aggregation Consortium (August 8th 2016), or the Genome Aggregation Database (Feb 27, 2017) databases. The p.Arg3007 residue is conserved in mammals but not in more distantly related organisms, and computational analyses (PolyPhen-2, SIFT, AlignGVGD, BLOSUM, MutationTaster) suggest that the Gly variant may impact the protein; however, this information is not predictive enough to assume pathogenicity. The variant occurs outside of the splicing consensus sequence and 1 of 5 in silico or computational prediction software programs (SpliceSiteFinder, MaxEntScan, NNSPLICE, GeneSplicer, HumanSpliceFinder) predict a greater than 10% difference in splicing; this is not very predictive of pathogenicity. In summary, based on the above information the clinical significance of this variant cannot be determined with certainty at this time. This variant is classified as a variant of uncertain significance.

Literature cited by the submitters: PubMed 20694749 (cited by Ambry Genetics and Quest Diagnostics Nichols Institute San Juan Capistrano); PubMed 29310832 (cited by Ambry Genetics); PubMed 29394989 (cited by Ambry Genetics and Quest Diagnostics Nichols Institute San Juan Capistrano); PubMed 29884841 (cited by Ambry Genetics); PubMed 32444794 (cited by Ambry Genetics); PubMed 32885271 (cited by Ambry Genetics); PubMed 35665744 (cited by Ambry Genetics).

NM_000059.4(BRCA2):c.9019A>G (p.Arg3007Gly)

Gene: BRCA2 (BRCA2 DNA repair associated; plus strand). Cytogenetic location: 13q13.1.
Variant type: single nucleotide variant.
Coding change: c.9019A>G on transcript NM_000059.4 (MANE Select); coding-DNA position 9019, A replaced by G.
Protein change: p.Arg3007Gly; replaces arginine 3007 with glycine.
Molecular consequence: missense variant.
Genome position (GRCh38, 1-based): chr13:32,379,815, A>G. VCF-style: chr13-32379815-A-G. GRCh37 (hg19) VCF-style: chr13-32953952-A-G.
Other names: p.R3007G:AGA>GGA; short protein forms R3007G.
Identifiers: ClinVar variation 38203 (VCV000038203.26), dbSNP rs397507417, ClinGen allele CA025931.